The following is an entry in ClinVar:

ClinVar aggregate classification (germline): Uncertain significance. Review status: criteria provided, multiple submitters, no conflicts (2 of 4 stars). 3 submissions from 3 submitters: Uncertain significance (3). Last evaluated 2025-10-15.

Conditions:
Peroxisome biogenesis disorder. Identifiers: Orphanet 79189, MedGen C1832200, MONDO:0019234. Disease mechanism: loss of function.
PEX16-related disorder. Also called: PEX16-related condition.

Allele frequency attached by ClinVar (database versions not stated): gnomAD 0.00003 and 0.00004; TOPMed 0.00003; gnomAD exomes 0.00005 and 0.00008; ExAC 0.00012; ESP Exome Variant Server 0.00015.

Submissions (3):

PreventionGenetics, part of Exact Sciences
Classification: Uncertain significance for PEX16-related condition. Last evaluated: 2025-10-15. Review status: criteria provided, single submitter. Criteria: ACMG Guidelines, 2015. Collection method: clinical testing. Allele origin: germline.
Comment: The PEX16 c.340G>A variant is predicted to result in the amino acid substitution p.Ala114Thr. To our knowledge, this variant has not been reported in the literature. This variant is reported in 0.016% of alleles in individuals of European (Non-Finnish) descent in gnomAD. At this time, the clinical significance of this variant is uncertain due to the absence of conclusive functional and genetic evidence.

Labcorp Genetics (formerly Invitae), Labcorp
Classification: Uncertain significance for Peroxisome biogenesis disorder. Last evaluated: 2022-07-15. Review status: criteria provided, single submitter. Criteria: Invitae Variant Classification Sherloc (09022015). Collection method: clinical testing. Allele origin: germline.
Comment: This sequence change replaces alanine, which is neutral and non-polar, with threonine, which is neutral and polar, at codon 114 of the PEX16 protein (p.Ala114Thr). This variant is present in population databases (rs374045163, gnomAD 0.02%). This variant has not been reported in the literature in individuals affected with PEX16-related conditions. ClinVar contains an entry for this variant (Variation ID: 502036). Algorithms developed to predict the effect of missense changes on protein structure and function (SIFT, PolyPhen-2, Align-GVGD) all suggest that this variant is likely to be tolerated. In summary, the available evidence is currently insufficient to determine the role of this variant in disease. Therefore, it has been classified as a Variant of Uncertain Significance.

Eurofins Ntd Llc (ga)
Classification: Uncertain significance. Last evaluated: 2017-05-18. Review status: criteria provided, single submitter. Criteria: EGL Classification Definitions 2015. Collection method: clinical testing. Allele origin: germline. Observed: 1 variant allele, 1 heterozygote.

NM_004813.4(PEX16):c.340G>A (p.Ala114Thr)

Gene: PEX16 (peroxisomal biogenesis factor 16; minus strand). Cytogenetic location: 11p11.2.
Variant type: single nucleotide variant.
Coding change: c.340G>A on transcript NM_004813.4 (MANE Select); coding-DNA position 340, G replaced by A.
Protein change: p.Ala114Thr; replaces alanine 114 with threonine.
Molecular consequence: missense variant.
Genome position (GRCh38, 1-based): chr11:45,915,722, C>T on the plus strand (G>A on the coding strand, the complement: PEX16 is on the minus strand). VCF-style: chr11-45915722-C-T. GRCh37 (hg19) VCF-style: chr11-45937273-C-T.
Other names: c.340G>A (NM_004813.2); c.340G>A, p.Ala114Thr (NM_057174.3); short protein forms A114T.
Identifiers: ClinVar variation 502036 (VCV000502036.12), dbSNP rs374045163, ClinGen allele CA5960016.
Genomic context (GRCh38, chr11:45,915,722, plus strand): 5'-CGTCACCCCCACCCAGGACCCTCTCCACAATCCCAACCTACTTGGCCAGCTGGACGAGGG[C>T]GATGACAAGCCAGCGGCCCACTTCACCCCACACCTTGGCAGCTCCCATCTCCATGAACAC-3'
Protein context (NP_004804.2, residues 104-124): WGEVGRWLVI[Ala114Thr]LVQLAKAVLR